The following is an entry in ClinVar:

ClinVar aggregate classification (germline): Uncertain significance (1 of 4 stars; one submission).

Submission:

Labcorp Genetics (formerly Invitae), Labcorp
Classification: Uncertain significance. Last evaluated: 2022-09-13. Review status: criteria provided, single submitter. Criteria: Invitae Variant Classification Sherloc (09022015). Collection method: clinical testing. Allele origin: germline.
Comment: This sequence change replaces glycine, which is neutral and non-polar, with serine, which is neutral and polar, at codon 358 of the COL9A1 protein (p.Gly358Ser). Information on the frequency of this variant in the gnomAD database is not available, as this variant may be reported differently in the database. This variant has not been reported in the literature in individuals affected with COL9A1-related conditions. ClinVar contains an entry for this variant (Variation ID: 1001797). Experimental studies and prediction algorithms are not available or were not evaluated, and the functional significance of this variant is currently unknown. In summary, the available evidence is currently insufficient to determine the role of this variant in disease. Therefore, it has been classified as a Variant of Uncertain Significance.

NM_001851.6(COL9A1):c.1071_1072inv (p.Gly358Ser)

Gene: COL9A1 (collagen type IX alpha 1 chain; minus strand). Cytogenetic location: 6q13.
Variant type: Inversion.
Coding change: c.1071_1072inv on transcript NM_001851.6 (MANE Select).
Protein change: p.Gly358Ser; replaces glycine 358 with serine.
Molecular consequence: missense variant. On other transcripts: non-coding transcript variant (1).
Genome position: GRCh38 VCF-style: chr6-70272082-CA-TG. GRCh37 (hg19) VCF-style: chr6-70981785-CA-TG.
Other names: c.342_343inv, p.Gly115Ser (NM_001377289.1, NM_001377290.1, NM_078485.4); short protein forms G115S, G358S.
Identifiers: ClinVar variation 1001797 (VCV001001797.7), ClinGen allele CA2499218511.